The following is an entry in ClinVar:

ClinVar aggregate classification (germline): Conflicting classifications of pathogenicity. Review status: criteria provided, conflicting classifications (1 of 4 stars). 2 submissions from 2 submitters: Uncertain significance (1); Likely benign (1). Last evaluated 2025-02-28.

Allele frequency attached by ClinVar (database versions not stated): TOPMed 0.00017; gnomAD 0.00018; gnomAD exomes 0.00030 and 0.00034; ExAC 0.00037; ESP Exome Variant Server 0.00046.
gnomAD v4.1: 511 of 1,603,936 alleles (0.032%); highest among the groups gnomAD compares: Non-Finnish European, 0.042%; 1 homozygote.

Submissions (3):

ARUP Laboratories, Molecular Genetics and Genomics, ARUP Laboratories
Classification: Uncertain significance. Last evaluated: 2025-02-28. Review status: criteria provided, single submitter. Criteria: ARUP Molecular Germline Variant Investigation Process 2024. Collection method: clinical testing. Allele origin: germline.
Comment: The GCLC c.264-11C>A variant (rs199775302), to our knowledge, is not reported in the medical literature or gene specific databases. This variant is found in the non-Finnish European population with an allele frequency of 0.06% (75/129,114 alleles) in the Genome Aggregation Database (v2.1.1). This is an intronic variant and computational analyses (Alamut Visual Plus v.1.12) predict that this variant may impact splicing by weakening the nearby canonical acceptor splice site. However, given the lack of clinical and functional data, the significance of this variant is uncertain at this time.

Labcorp Genetics (formerly Invitae), Labcorp
Classification: Likely benign. Last evaluated: 2024-05-17. Review status: criteria provided, single submitter. Criteria: Invitae Variant Classification Sherloc (09022015). Collection method: clinical testing. Allele origin: germline.

Dr. Peter K. Rogan Lab, Western University
No classification provided (evidence only). Condition: Familial cancer of breast. Review status: no classification provided. Collection method: in vitro. Allele origin: not applicable. Functional consequence: retained intron. Not counted in ClinVar's aggregate classification.

NM_001498.4(GCLC):c.264-11C>A

Gene: GCLC (glutamate-cysteine ligase catalytic subunit; minus strand). Cytogenetic location: 6p12.1.
Variant type: single nucleotide variant.
Coding change: c.264-11C>A on transcript NM_001498.4 (MANE Select); 11 bases into the intron before coding-DNA position 264, C replaced by A.
Molecular consequence: intron variant.
Genome position (GRCh38, 1-based): chr6:53,520,971, G>T on the plus strand (C>A on the coding strand, the complement: GCLC is on the minus strand). VCF-style: chr6-53520971-G-T. GRCh37 (hg19) VCF-style: chr6-53385769-G-T.
Other names: c.264-11C>A (NM_001197115.2).
Identifiers: ClinVar variation 994344 (VCV000994344.18), dbSNP rs199775302, ClinGen allele CA3860398.
Genomic context (GRCh38, chr6:53,520,971, plus strand): 5'-TCCCTTCAATCATGTAACTCCCATACTCTGGTCTCCAAAGGGTAGGATGGCTACGGAGGA[G>T]AAATAACTTAGTTCCATCTTATTCTTTTGCTATAGTCTGCTCAATTTTTAAGTTTTTAAA-3'